The following is an entry in ClinVar:

ClinVar aggregate classification (germline): Uncertain significance. Review status: criteria provided, multiple submitters, no conflicts (2 of 4 stars). 5 submissions from 5 submitters: Uncertain significance (5). Last evaluated 2024-09-06.

Conditions:
SLC7A9-related disorder. Also called: SLC7A9-related condition.
Cystinuria (CSNU). Also called: CYSTINURIA, TYPE I; CYSTINURIA, TYPE II; CYSTINURIA, TYPE III; Cystinuria, non-type I. Identifiers: Orphanet 214, MedGen C0010691, MONDO:0009067, OMIM 220100, HP:0003131.

Allele frequency attached by ClinVar (database versions not stated): gnomAD exomes 0.00011 and 0.00017; gnomAD 0.00012 and 0.00013; ExAC 0.00014; TOPMed 0.00014; ESP Exome Variant Server 0.00015.
gnomAD v4.1: 260 of 1,614,066 alleles (0.016%); highest among the groups gnomAD compares: Non-Finnish European, 0.021%; 1 homozygote.

Submissions (5):

Blueprint Genetics
Classification: Uncertain significance. Last evaluated: 2024-09-06. Review status: criteria provided, single submitter. Criteria: ACMG Guidelines, 2015. Collection method: clinical testing. Allele origin: germline.

Labcorp Genetics (formerly Invitae), Labcorp
Classification: Uncertain significance. Last evaluated: 2023-11-13. Review status: criteria provided, single submitter. Criteria: Invitae Variant Classification Sherloc (09022015). Collection method: clinical testing. Allele origin: germline.
Comment: This sequence change replaces tyrosine, which is neutral and polar, with histidine, which is basic and polar, at codon 457 of the SLC7A9 protein (p.Tyr457His). This variant is present in population databases (rs138086959, gnomAD 0.02%). This missense change has been observed in individual(s) with autosomal recessive cystinuria (PMID: 25296721). ClinVar contains an entry for this variant (Variation ID: 889688). Advanced modeling of protein sequence and biophysical properties (such as structural, functional, and spatial information, amino acid conservation, physicochemical variation, residue mobility, and thermodynamic stability) performed at Invitae indicates that this missense variant is not expected to disrupt SLC7A9 protein function with a negative predictive value of 80%. In summary, the available evidence is currently insufficient to determine the role of this variant in disease. Therefore, it has been classified as a Variant of Uncertain Significance.

PreventionGenetics, part of Exact Sciences
Classification: Uncertain significance for SLC7A9-related condition. Last evaluated: 2023-04-03. Review status: criteria provided, single submitter. Criteria: ACMG Guidelines, 2015. Collection method: clinical testing. Allele origin: germline.
Comment: The SLC7A9 c.1369T>C variant is predicted to result in the amino acid substitution p.Tyr457His. This variant has been reported along with a second variant in SLC7A9 in an individual with cystinuria (Table 1, Halbritter et al. 2015. PubMed ID: 25296721). This variant is reported in 0.019% of alleles in individuals of European (Non-Finnish) descent in gnomAD. At this time, the clinical significance of this variant is uncertain due to the absence of conclusive functional and genetic evidence.

Fulgent Genetics
Classification: Uncertain significance for Cystinuria. Last evaluated: 2021-09-09. Review status: criteria provided, single submitter. Criteria: ACMG Guidelines, 2015. Collection method: clinical testing. Allele origin: unknown.

Illumina Laboratory Services, Illumina
Classification: Uncertain significance for Cystinuria. Last evaluated: 2018-01-13. Review status: criteria provided, single submitter. Criteria: ICSL Variant Classification Criteria 13 December 2019. Collection method: clinical testing. Allele origin: germline.

Literature cited by the submitters: PubMed 25296721 (cited by Labcorp Genetics (formerly Invitae), Labcorp).

NM_014270.5(SLC7A9):c.1369T>C (p.Tyr457His)

Gene: SLC7A9 (solute carrier family 7 member 9; minus strand). Cytogenetic location: 19q13.11.
Variant type: single nucleotide variant.
Coding change: c.1369T>C on transcript NM_014270.5 (MANE Select); coding-DNA position 1369, T replaced by C.
Protein change: p.Tyr457His; replaces tyrosine 457 with histidine.
Molecular consequence: missense variant.
Genome position (GRCh38, 1-based): chr19:32,833,179, A>G on the plus strand (T>C on the coding strand, the complement: SLC7A9 is on the minus strand). VCF-style: chr19-32833179-A-G. GRCh37 (hg19) VCF-style: chr19-33324085-A-G.
Other names: c.1369T>C, p.Tyr457His (NM_001126335.2, NM_001243036.2); short protein forms Y457H.
Identifiers: ClinVar variation 889688 (VCV000889688.16), dbSNP rs138086959, ClinGen allele CA9358429.